The following is an entry in ClinVar:

ClinVar aggregate classification (germline): Pathogenic/Likely pathogenic. Review status: criteria provided, multiple submitters, no conflicts (2 of 4 stars). 4 submissions from 4 submitters: Pathogenic (2); Likely pathogenic (2). Last evaluated 2026-03-11.

Conditions:
HNF1B-related disorder. Also called: HNF1B-related condition; HNF1B-related disorders.
Renal cysts and diabetes syndrome (RCAD). Also called: Familial hypoplastic, glomerulocystic kidney; MATURITY-ONSET DIABETES OF THE YOUNG, TYPE 5. Identifiers: Orphanet 93111, MedGen C0431693, MONDO:0007669, OMIM 137920.

Submissions (4):

PreventionGenetics, part of Exact Sciences
Classification: Likely pathogenic for HNF1B-related condition. Last evaluated: 2026-03-11. Review status: criteria provided, single submitter. Criteria: ACMG Guidelines, 2015. Collection method: clinical testing. Allele origin: germline.
Comment: The HNF1B c.478A>G variant is predicted to result in the amino acid substitution p.Met160Val. This variant was reported in individuals with HNF1B-related disorders (Bergmann et al. 2011. PubMed ID: 22034641; Wentworth et al. 2014. PubMed ID: 25367728). The p.Met160 residue is highly conserved. Of note, this variant is located in exon 2, which is part of sequences encoding the essential DNA binding domain and has been reported as part of mutation hotspots (Clissold et al. 2015. PubMed ID: 25536396). This variant has not been reported in a large population database (gnomAD), indicating this variant is rare. This variant is interpreted as likely pathogenic.

GeneDx
Classification: Likely pathogenic. Last evaluated: 2024-10-07. Review status: criteria provided, single submitter. Criteria: GeneDx Variant Classification Process June 2021. Collection method: clinical testing. Allele origin: germline. Affected: yes.
Comment: Not observed at significant frequency in large population cohorts (gnomAD); In silico analysis supports that this missense variant has a deleterious effect on protein structure/function; This variant is associated with the following publications: (PMID: 17924661, 25700310, 22034641, 25367728)

Labcorp Genetics (formerly Invitae), Labcorp
Classification: Pathogenic. Last evaluated: 2021-08-31. Review status: criteria provided, single submitter. Criteria: Invitae Variant Classification Sherloc (09022015). Collection method: clinical testing. Allele origin: germline.
Comment: This missense change has been observed in individuals with clinical features of autosomal dominant renal cysts and diabetes syndrome (PMID: 22034641, 25367728; Invitae). It has also been observed to segregate with disease in related individuals. This sequence change replaces methionine with valine at codon 160 of the HNF1B protein (p.Met160Val). The methionine residue is highly conserved and there is a small physicochemical difference between methionine and valine. This variant is not present in population databases (ExAC no frequency). ClinVar contains an entry for this variant (Variation ID: 635689). Advanced modeling of protein sequence and biophysical properties (such as structural, functional, and spatial information, amino acid conservation, physicochemical variation, residue mobility, and thermodynamic stability) performed at Invitae indicates that this missense variant is expected to disrupt HNF1B protein function. For these reasons, this variant has been classified as Pathogenic.

Institute of Human Genetics, FAU Erlangen, Friedrich-Alexander-Universität Erlangen-Nürnberg
Classification: Pathogenic for Renal cysts and diabetes syndrome. Last evaluated: 2019-07-06. Review status: criteria provided, single submitter. Criteria: ACMG Guidelines, 2015. Collection method: literature only. Allele origin: germline. Affected: yes.
Comment: This variant and it's classification has been reported by Vasileiou et al. 2019; DOI:10.1101/576918. The variants has previously been reported in LOVD:#0000347755; PMID:25700310; PMID:22034641; PMID:25536396 as "HNF1B:NM_000458.2:c.478A>G (Met160Val); c.478A>G; c.478A>G" with clinical significance Pathogenic. It has been re-classified using InterVar and manual curation as Pathogenic based on PS2 PM1 PM2 PP3 PP5.

Literature cited by the submitters: PubMed 22034641 (cited by Labcorp Genetics (formerly Invitae), Labcorp and Institute of Human Genetics, FAU Erlangen, Friedrich-Alexander-Universität Erlangen-Nürnberg); PubMed 25367728 (cited by Labcorp Genetics (formerly Invitae), Labcorp); PubMed 25700310 (cited by Institute of Human Genetics, FAU Erlangen, Friedrich-Alexander-Universität Erlangen-Nürnberg); PubMed 25536396 (cited by Institute of Human Genetics, FAU Erlangen, Friedrich-Alexander-Universität Erlangen-Nürnberg); DOI 10.1101/576918 (cited by Institute of Human Genetics, FAU Erlangen, Friedrich-Alexander-Universität Erlangen-Nürnberg).

NM_000458.4(HNF1B):c.478A>G (p.Met160Val)

Gene: HNF1B (HNF1 homeobox B; minus strand). Cytogenetic location: 17q12.
Variant type: single nucleotide variant.
Coding change: c.478A>G on transcript NM_000458.4 (MANE Select); coding-DNA position 478, A replaced by G.
Protein change: p.Met160Val; replaces methionine 160 with valine.
Molecular consequence: missense variant.
Genome position (GRCh38, 1-based): chr17:37,739,506, T>C on the plus strand (A>G on the coding strand, the complement: HNF1B is on the minus strand). VCF-style: chr17-37739506-T-C. GRCh37 (hg19) VCF-style: chr17-36099497-T-C.
Other names: c.478A>G, p.Met160Val (NM_001165923.4, NM_001304286.2); c.478A>G (NM_000458.2); short protein forms M160V.
Identifiers: ClinVar variation 635689 (VCV000635689.9), dbSNP rs2511828837, ClinGen allele CA398751307.